The following is an entry in ClinVar:

ClinVar aggregate classification (germline): Uncertain significance (1 of 4 stars; one submission).

Conditions:
Intellectual developmental disorder, autosomal dominant 29. Also called: Intellectual disability, autosomal dominant 29; SETBP1 Haploinsufficiency Disorder. Identifiers: Orphanet 436151, MedGen C4015141, MONDO:0014482, OMIM 616078.

gnomAD v4.1: 2 of 1,614,138 alleles (0.00012%); highest among the groups gnomAD compares: Non-Finnish European, 0.00017%; no homozygotes.

Submission:

Medical Genetics Clinic, University of Catania
Classification: Uncertain significance for Intellectual developmental disorder, autosomal dominant 29. Last evaluated: 2025-01-29. Review status: criteria provided, single submitter. Criteria: ACMG Guidelines, 2015. Collection method: clinical testing. Allele origin: maternal. Inheritance: Autosomal dominant inheritance. Affected: yes.
Comment: The c.3349C>A variant (rs775447877) in SETBP1 gene causes the substitution of a Leucine with a Methionine at position 1117 (p.Leu1117Met). In silico computational software suggest the possibility of a detrimental effect on the structure/activity of the resulting protein (SIFT 0.007/0.00, Cadd-Phred 24.4, PhyloP 0.56/0.65, Polyphen2 1.0/1.00, MutationTaster 1.00/1.00, MutationAssessor 0.34/5.00). The c.3349C>A variant is located at a conserved nucleotide position (phyloP-Vertebrate=2.92/6.42; phyloP-Primate=0.56/0.65; PhastCons=1.00/1.00). SETBP1 gene may have a variable expressivity consistent with a series of manifestations of autism spectrum disorder rather than an incomplete penetrance (PMID33391157), as observed in other risk genes for autism spectrum disorders, where pathogenic variants have been described in families in which the carrier parents presented a mild neurodevelopmental disorder, borderline IQ and broader autism phenotypes. Given the above, Given the above, in the absence of definitive data on the possible incomplete penetrance of the SETBP1 gene, of further information on this variant of the SETBP1 gene and/or functional studies capable of establishing a possible pathogenic effect, this variant is to be considered of uncertain clinical significance.

Literature cited by the submitters: PubMed 33391157.

NM_015559.3(SETBP1):c.3349C>A (p.Leu1117Met)

Gene: SETBP1 (SET binding protein 1; plus strand). Cytogenetic location: 18q12.3.
Variant type: single nucleotide variant.
Coding change: c.3349C>A on transcript NM_015559.3 (MANE Select); coding-DNA position 3349, C replaced by A.
Protein change: p.Leu1117Met; replaces leucine 1117 with methionine.
Molecular consequence: missense variant.
Genome position (GRCh38, 1-based): chr18:44,952,689, C>A. VCF-style: chr18-44952689-C-A. GRCh37 (hg19) VCF-style: chr18-42532654-C-A.
Other names: p.Leu1117Met; c.3349C>A, p.Leu1117Met (NM_001379141.1, NM_001379142.1, NM_001410862.1); short protein forms L1117M.
Identifiers: ClinVar variation 3778823 (VCV003778823.1).